The following is an entry in ClinVar:

NM_001321075.3(DLG4):c.506-1G>T

Gene: DLG4 (discs large MAGUK scaffold protein 4; minus strand). Cytogenetic location: 17p13.1.
Variant type: single nucleotide variant.
Coding change: c.506-1G>T on transcript NM_001321075.3 (MANE Select); the canonical splice acceptor site of the intron before coding-DNA position 506, G replaced by T.
Molecular consequence: splice acceptor variant.
Genome position (GRCh38, 1-based): chr17:7,203,330, C>A on the plus strand (G>T on the coding strand, the complement: DLG4 is on the minus strand). VCF-style: chr17-7203330-C-A. GRCh37 (hg19) VCF-style: chr17-7106649-C-A.
Other names: c.635-1G>T (NM_001365.5); c.497-1G>T (NM_001128827.4); c.425-1G>T (NM_001369566.3); c.326-1G>T (NM_001321077.3, NM_001321076.3); c.626-1G>T (NM_001321074.1).
Identifiers: ClinVar variation 3764684 (VCV003764684.2).

ClinVar aggregate classification (germline): Likely pathogenic (1 of 4 stars; one submission).

Conditions:
Intellectual developmental disorder 62. Also called: INTELLECTUAL DEVELOPMENTAL DISORDER, AUTOSOMAL DOMINANT 62; MENTAL RETARDATION, AUTOSOMAL DOMINANT 62. Identifiers: MedGen C5394083, MONDO:0032919, OMIM 618793.

Submission:

Juno Genomics, Hangzhou Juno Genomics, Inc
Classification: Likely pathogenic for Intellectual developmental disorder 62. Review status: criteria provided, single submitter. Criteria: ACMG Guidelines, 2015. Collection method: clinical testing. Allele origin: germline. Affected: yes.
Comment: Absent from controls (or at extremely low frequency if recessive) in Genome Aggregation Database, Exome Sequencing Project, 1000 Genomes Project, or Exome Aggregation Consortium.;Null variant in a gene where loss of function (LOF) is a known mechanism of disease.